The following is an entry in ClinVar:

NM_001904.4(CTNNB1):c.1968_1969dup (p.Ala657fs)

Gene: CTNNB1 (catenin beta 1; plus strand). Cytogenetic location: 3p22.1.
Variant type: Duplication.
Coding change: c.1968_1969dup on transcript NM_001904.4 (MANE Select); coding-DNA positions 1968 to 1969, 2 bases duplicated (TG; older notation c.1968_1969dupTG).
Protein change: p.Ala657fs; shifts the reading frame from alanine 657.
Molecular consequence: frameshift variant.
Genome position (GRCh38, 1-based): chr3:41,236,601-41,236,602, TG duplicated. VCF-style (leftmost placement, unchanged base first): chr3-41236600-C-CTG. GRCh37 (hg19) VCF-style: chr3-41278091-C-CTG.
Other names: c.1968_1969dup, p.Ala657fs (NM_001098209.2, NM_001098210.2); c.1947_1948dup, p.Ala650fs (NM_001330729.2); short protein forms A657fs, A650fs.
Identifiers: ClinVar variation 817442 (VCV000817442.1), dbSNP rs1575334396, ClinGen allele CA915942444.

ClinVar aggregate classification (germline): Pathogenic (1 of 4 stars; one submission).

Submission:

GeneDx
Classification: Pathogenic. Last evaluated: 2019-02-21. Review status: criteria provided, single submitter. Criteria: GeneDx Variant Classification (06012015). Collection method: clinical testing. Allele origin: germline. Affected: yes.
Comment: The c.1968_1969dupTG variant in the CTNNB1 gene has not been reported previously as a pathogenic variant nor as a benign variant, to our knowledge. The c.1968_1969dupTG variant causes a frameshift starting with codon Alanine 657, changes this amino acid to a Valine residue, and creates a premature Stop codon at position 23 of the new reading frame, denoted p.Ala657ValfsX23. This variant is predicted to cause loss of normal protein function either through protein truncation or nonsense-mediated mRNA decay. The c.1968_1969dupTG variant is not observed in large population cohorts (Lek et al., 2016). We interpret c.1968_1969dupTG as a pathogenic variant.